The following is an entry in ClinVar:

NM_012210.4(TRIM32):c.470G>A (p.Arg157Gln)

Genes: ASTN2 (astrotactin 2; minus strand), TRIM32 (tripartite motif containing 32; plus strand). Cytogenetic location: 9q33.1.
Variant type: single nucleotide variant.
Coding change: c.470G>A on transcript NM_012210.4 (MANE Select); coding-DNA position 470, G replaced by A.
Protein change: p.Arg157Gln; replaces arginine 157 with glutamine.
Molecular consequence: missense variant. On other transcripts: intron variant (3).
Genome position (GRCh38, 1-based): chr9:116,698,212, G>A. VCF-style: chr9-116698212-G-A. GRCh37 (hg19) VCF-style: chr9-119460491-G-A.
Other names: c.470G>A, p.Arg157Gln (NM_001099679.2, NM_001379048.1, NM_001379049.1 and 1 more transcripts); c.2653+27559C>T (NM_014010.5); c.2794+27559C>T (NM_001365069.1); c.2806+27559C>T (NM_001365068.1); short protein forms R157Q.
Identifiers: ClinVar variation 2437275 (VCV002437275.7), dbSNP rs1345616881, ClinGen allele CA374648630.

ClinVar aggregate classification (germline): Uncertain significance. Review status: criteria provided, multiple submitters, no conflicts (2 of 4 stars). 4 submissions from 4 submitters: Uncertain significance (4). Last evaluated 2026-04-15.

Conditions:
TRIM32-related disorder. Also called: TRIM32-related condition.
Inborn genetic diseases. Identifiers: MedGen C0950123, MeSH D030342.

Allele frequency attached by ClinVar (database versions not stated): gnomAD 0.00002.
gnomAD v4.1: 9 of 1,614,040 alleles (0.00056%); highest among the groups gnomAD compares: African/African-American, 0.0013%; no homozygotes.

Submissions (4):

PreventionGenetics, part of Exact Sciences
Classification: Uncertain significance for TRIM32-related condition. Last evaluated: 2026-04-15. Review status: criteria provided, single submitter. Criteria: ACMG Guidelines, 2015. Collection method: clinical testing. Allele origin: germline.
Comment: The TRIM32 c.470G>A variant is predicted to result in the amino acid substitution p.Arg157Gln. To our knowledge, this variant has not been reported in the literature. This variant is reported in 0.0040% of alleles in individuals of European (Finnish) descent in gnomAD. At this time, the clinical significance of this variant is uncertain due to the absence of conclusive functional and genetic evidence.

Ambry Genetics
Classification: Uncertain significance for Inborn genetic diseases. Last evaluated: 2025-09-05. Review status: criteria provided, single submitter. Criteria: Ambry Variant Classification Scheme 2023. Collection method: clinical testing. Allele origin: germline.

Revvity Omics, Revvity
Classification: Uncertain significance. Last evaluated: 2022-03-28. Review status: criteria provided, single submitter. Criteria: ACMG Guidelines, 2015. Collection method: clinical testing. Allele origin: germline.

Blueprint Genetics
Classification: Uncertain significance. Last evaluated: 2017-07-12. Review status: criteria provided, single submitter. Criteria: ACMG Guidelines, 2015. Collection method: clinical testing. Allele origin: germline.